The following is an entry in ClinVar:

NM_000548.5(TSC2):c.3610+1G>T

Gene: TSC2 (TSC complex subunit 2; plus strand). Cytogenetic location: 16p13.3.
Variant type: single nucleotide variant.
Coding change: c.3610+1G>T on transcript NM_000548.5 (MANE Select); the canonical splice donor site of the intron after coding-DNA position 3610, G replaced by T.
Molecular consequence: splice donor variant.
Genome position (GRCh38, 1-based): chr16:2,080,378, G>T. VCF-style: chr16-2080378-G-T. GRCh37 (hg19) VCF-style: chr16-2130379-G-T.
Other names: c.3571+1G>T (NM_001406667.1); c.3568+1G>T (NM_001406668.1); c.3010+1G>T (NM_001406680.1, NM_001406683.1, NM_001406682.1); c.2878+1G>T (NM_001406687.1, NM_001318831.2, NM_001406688.1); c.2266+1G>T (NM_001406689.1); c.2137+1G>T (NM_001406690.1, NM_001406692.1, NM_001406694.1 and 1 more transcripts); c.2134+1G>T (NM_001406691.1, NM_001406697.1, NM_001406695.1 and 1 more transcripts); c.1876+1G>T (NM_001406698.1); and 18 more.
Identifiers: ClinVar variation 1072488 (VCV001072488.16), dbSNP rs45517299, ClinGen allele CA394289763.

ClinVar aggregate classification (germline): Pathogenic/Likely pathogenic. Review status: criteria provided, multiple submitters, no conflicts (2 of 4 stars). 3 submissions from 3 submitters: Pathogenic (1); Likely pathogenic (2). Last evaluated 2023-03-29.

Conditions:
Tuberous sclerosis 2 (TSC2). Identifiers: Orphanet 805, MedGen C1860707, MONDO:0013199, OMIM 613254.

Submissions (3):

Mayo Clinic Laboratories, Mayo Clinic
Classification: Likely pathogenic. Last evaluated: 2023-03-29. Review status: criteria provided, single submitter. Criteria: ACMG Guidelines, 2015. Collection method: clinical testing. Allele origin: germline. Observed: 3 variant alleles.
Comment: PP4, PM2, PS1, PVS1_moderate

Genome-Nilou Lab
Classification: Likely pathogenic for Tuberous sclerosis 2. Last evaluated: 2021-11-07. Review status: criteria provided, single submitter. Criteria: ACMG Guidelines, 2015. Collection method: clinical testing. Allele origin: germline. Affected: no.

Labcorp Genetics (formerly Invitae), Labcorp
Classification: Pathogenic for Tuberous sclerosis 2. Last evaluated: 2020-07-21. Review status: criteria provided, single submitter. Criteria: Invitae Variant Classification Sherloc (09022015). Collection method: clinical testing. Allele origin: germline.
Comment: For these reasons, this variant has been classified as Pathogenic. Donor and acceptor splice site variants typically lead to a loss of protein function (PMID: 16199547), and loss-of-function variants in TSC2 are known to be pathogenic (PMID: 10205261, 17304050). Algorithms developed to predict the effect of sequence changes on RNA splicing suggest that this variant may disrupt the consensus splice site, but this prediction has not been confirmed by published transcriptional studies. Disruption of this splice site has been observed in individual(s) with tuberous sclerosis (PMID: 26540169, 10942116, 24737435). This variant is not present in population databases (ExAC no frequency). This sequence change affects a donor splice site in intron 30 of the TSC2 gene. It is expected to disrupt RNA splicing and likely results in an absent or disrupted protein product.

Literature cited by the submitters: PubMed 16199547 (cited by Labcorp Genetics (formerly Invitae), Labcorp); PubMed 10205261 (cited by Labcorp Genetics (formerly Invitae), Labcorp); PubMed 17304050 (cited by Labcorp Genetics (formerly Invitae), Labcorp); PubMed 26540169 (cited by Labcorp Genetics (formerly Invitae), Labcorp); PubMed 10942116 (cited by Labcorp Genetics (formerly Invitae), Labcorp); PubMed 24737435 (cited by Labcorp Genetics (formerly Invitae), Labcorp).